The following is an entry in ClinVar:

NM_004168.4(SDHA):c.1197G>T (p.Pro399=)

Gene: SDHA (succinate dehydrogenase complex flavoprotein subunit A; plus strand). Cytogenetic location: 5p15.33.
Variant type: single nucleotide variant.
Coding change: c.1197G>T on transcript NM_004168.4 (MANE Select); coding-DNA position 1197, G replaced by T.
Protein change: p.Pro399=; no amino-acid change (proline 399 retained).
Molecular consequence: synonymous variant.
Genome position (GRCh38, 1-based): chr5:235,276, G>T. VCF-style: chr5-235276-G-T. GRCh37 (hg19) VCF-style: chr5-235391-G-T.
Other names: c.1053G>T, p.Pro351= (NM_001294332.2); c.1197G>T, p.Pro399= (NM_001330758.2).
Identifiers: ClinVar variation 706737 (VCV000706737.14), dbSNP rs771919335, ClinGen allele CA3173137.

ClinVar aggregate classification (germline): Benign/Likely benign. Review status: criteria provided, multiple submitters, no conflicts (2 of 4 stars). 3 submissions from 3 submitters: Benign (1); Likely benign (2). Last evaluated 2025-10-01.

Conditions:
Hereditary cancer-predisposing syndrome. Also called: Tumor predisposition; Neoplastic Syndromes, Hereditary; Hereditary Cancer Syndrome; Hereditary neoplastic syndrome. Identifiers: Orphanet 140162, MedGen C0027672, MeSH D009386, MONDO:0015356.
Pheochromocytoma/paraganglioma syndrome 5. Also called: Paragangliomas 5; SDHA-Related Hereditary Paraganglioma-Pheochromocytoma Syndrome. Identifiers: Orphanet 29072, MedGen C3279992, MONDO:0013602, OMIM 614165.
Mitochondrial complex II deficiency, nuclear type 1. Also called: SUCCINATE CoQ REDUCTASE DEFICIENCY. Identifiers: Orphanet 3208, MedGen C5700310, MONDO:0100294, OMIM 252011.

gnomAD v4.1: 1 of 1,614,024 alleles (0.000062%); highest among the groups gnomAD compares: East Asian, 0.0022%; no homozygotes.

Submissions (3):

Labcorp Genetics (formerly Invitae), Labcorp
Classification: Likely benign for Pheochromocytoma/paraganglioma syndrome 5; Mitochondrial complex II deficiency, nuclear type 1. Last evaluated: 2025-10-01. Review status: criteria provided, single submitter. Criteria: Invitae Variant Classification Sherloc (09022015). Collection method: clinical testing. Allele origin: germline.

Myriad Genetics, Inc.
Classification: Benign for Pheochromocytoma/paraganglioma syndrome 5. Last evaluated: 2025-03-10. Review status: criteria provided, single submitter. Criteria: Myriad Autosomal Dominant, Autosomal Recessive and X-Linked Classification Criteria (2023). Collection method: clinical testing. Allele origin: unknown.
Comment: This variant is considered benign. This variant is a silent/synonymous amino acid change and it is not expected to impact splicing.

Ambry Genetics
Classification: Likely benign for Hereditary cancer-predisposing syndrome. Last evaluated: 2022-05-07. Review status: criteria provided, single submitter. Criteria: Ambry Variant Classification Scheme 2023. Collection method: clinical testing. Allele origin: germline.